The following is an entry in ClinVar:

ClinVar aggregate classification (germline): Uncertain significance. Review status: criteria provided, multiple submitters, no conflicts (2 of 4 stars). 9 submissions from 9 submitters: Uncertain significance (9). Last evaluated 2026-03-24.

Conditions:
Inborn genetic diseases. Identifiers: MedGen C0950123, MeSH D030342.
POLG-related disorder. Also called: POLG-related condition; POLG-Related Disorders; POLG-Related Spectrum Disorders. Identifiers: MedGen C4763519.
Progressive sclerosing poliodystrophy (MTDPS4A). Also called: Mitochondrial DNA depletion syndrome 4A (Alpers type); Alpers Syndrome; NEURONAL DEGENERATION OF CHILDHOOD WITH LIVER DISEASE, PROGRESSIVE; ALPERS PROGRESSIVE INFANTILE POLIODYSTROPHY; ALPERS DIFFUSE DEGENERATION OF CEREBRAL GRAY MATTER WITH HEPATIC CIRRHOSIS; Alpers-Huttenlocher Syndrome. Identifiers: Orphanet 726, MedGen C0205710, MONDO:0008758, OMIM 203700.

Allele frequency attached by ClinVar (database versions not stated): ExAC 0.00003; gnomAD 0.00003; TOPMed 0.00005.
gnomAD v4.1: 323 of 1,614,102 alleles (0.02%); highest among the groups gnomAD compares: Non-Finnish European, 0.027%; 2 homozygotes.

Submissions (9):

PreventionGenetics, part of Exact Sciences
Classification: Uncertain significance for POLG-related condition. Last evaluated: 2026-03-24. Review status: criteria provided, single submitter. Criteria: ACMG Guidelines, 2015. Collection method: clinical testing. Allele origin: germline.
Comment: The POLG c.1493A>C variant is predicted to result in the amino acid substitution p.Lys498Thr. This variant has been reported with a second POLG variant in an individual with Alpers syndrome (Table S1, Hikmat et al. 2017. PubMed ID: 28865037). This variant has also been reported in an individual with ataxia (Table E3, Coutelier et al. 2018. PubMed ID: 29482223). This variant is reported in 0.0093% of alleles in individuals of European (non-Finnish) descent in gnomAD. At this time, the clinical significance of this variant is uncertain due to the absence of conclusive functional and genetic evidence.

Labcorp Genetics (formerly Invitae), Labcorp
Classification: Uncertain significance for Progressive sclerosing poliodystrophy. Last evaluated: 2026-01-18. Review status: criteria provided, single submitter. Criteria: Invitae Variant Classification Sherloc (09022015). Collection method: clinical testing. Allele origin: germline.
Comment: This sequence change replaces lysine, which is basic and polar, with threonine, which is neutral and polar, at codon 498 of the POLG protein (p.Lys498Thr). This variant is present in population databases (rs769637557, gnomAD 0.008%). This missense change has been observed in individual(s) with Alpers syndrome and/or clinical features of POLG-related conditions (PMID: 28471437, 29482223). ClinVar contains an entry for this variant (Variation ID: 206597). Invitae Evidence Modeling of protein sequence and biophysical properties (such as structural, functional, and spatial information, amino acid conservation, physicochemical variation, residue mobility, and thermodynamic stability) indicates that this missense variant is expected to disrupt POLG protein function with a positive predictive value of 95%. In summary, the available evidence is currently insufficient to determine the role of this variant in disease. Therefore, it has been classified as a Variant of Uncertain Significance.

Mayo Clinic Laboratories, Mayo Clinic
Classification: Uncertain significance. Last evaluated: 2025-08-21. Review status: criteria provided, single submitter. Criteria: ACMG Guidelines, 2015. Collection method: clinical testing. Allele origin: germline. Observed: 2 variant alleles.
Comment: PP3, PM2_supporting, PM3_supporting

Athena Diagnostics
Classification: Uncertain significance. Last evaluated: 2025-01-13. Review status: criteria provided, single submitter. Criteria: Athena Diagnostics Criteria. Collection method: clinical testing. Allele origin: unknown.
Comment: Available data are insufficient to determine the clinical significance of the variant at this time. The frequency of this variant in the general population is uninformative in assessment of its pathogenicity. This variant has been identified in at least one individual with clinical features associated with a POLG-related disorder. Polyphen and MutationTaster predict this amino acid change may be damaging to the protein.

GeneDx
Classification: Uncertain significance. Last evaluated: 2024-12-05. Review status: criteria provided, single submitter. Criteria: GeneDx Variant Classification Process June 2021. Collection method: clinical testing. Allele origin: germline. Affected: yes.
Comment: Reported in a patient with Alpers syndrome who also harbors an likely disease-causing variant in the POLG gene (PMID: 28471437); Not observed at significant frequency in large population cohorts (gnomAD); In silico analysis supports that this missense variant has a deleterious effect on protein structure/function; This variant is associated with the following publications: (PMID: 28865037, 28471437)

Women's Health and Genetics/Laboratory Corporation of America, LabCorp
Classification: Uncertain significance. Last evaluated: 2024-09-16. Review status: criteria provided, single submitter. Criteria: LabCorp Variant Classification Summary - May 2015. Collection method: clinical testing. Allele origin: germline.
Comment: Variant summary: POLG c.1493A>C (p.Lys498Thr) results in a non-conservative amino acid change in the encoded protein sequence. Four of five in-silico tools predict a damaging effect of the variant on protein function. The variant allele was found at a frequency of 4.8e-05 in 251488 control chromosomes (gnomAD). This frequency is not significantly higher than estimated for a pathogenic variant in POLG causing POLG-Related Spectrum Disorders, allowing no conclusion about variant significance. c.1493A>C has been reported in the literature in individuals affected with Alpers syndrome or Cerebellar Ataxia (Hikmat_2017, Coutelier_2018). These data do not allow any conclusion about variant significance. To our knowledge, no experimental evidence demonstrating an impact on protein function has been reported. The following publications have been ascertained in the context of this evaluation (PMID: 29482223, 28471437, 28865037, 34690748). ClinVar contains an entry for this variant (Variation ID: 206597). Based on the evidence outlined above, the variant was classified as uncertain significance.

Blueprint Genetics
Classification: Uncertain significance. Last evaluated: 2024-07-24. Review status: criteria provided, single submitter. Criteria: ACMG Guidelines, 2015. Collection method: clinical testing. Allele origin: germline.

Ambry Genetics
Classification: Uncertain significance for Inborn genetic diseases. Last evaluated: 2021-07-20. Review status: criteria provided, single submitter. Criteria: Ambry Variant Classification Scheme 2023. Collection method: clinical testing. Allele origin: germline.
Comment: Hikmat, 2017a; Hikmat, 2017b Based on insufficient or conflicting evidence, the clinical significance of this alteration remains unclear.

Wong Mito Lab, Molecular and Human Genetics, Baylor College of Medicine
Classification: Uncertain significance for Progressive sclerosing poliodystrophy. Last evaluated: 2018-10-01. Review status: criteria provided, single submitter. Criteria: ACMG Guidelines, 2015. Collection method: clinical testing. Allele origin: germline.
Comment: The NM_002693.2:c.1493A>C (NP_002684.1:p.Lys498Thr) [GRCH38: NC_000015.10:g.89327004T>G] variant in POLG gene is interpretated to be a Uncertain Significance based on ACMG guidelines (PMID: 25741868). This variant meets the following evidence codes reported in the ACMG-guideline. BS2:Observation of the variant in controls is inconsistent with penetrance of Mitochondrial DNA depletion syndrome 4A (Alpers type). PP3:Computational evidence/predictors indicate the variant has deleterious effect on POLG structure, function, or protein-protein interaction. Based on the evidence criteria codes applied, the variant is suggested to be Uncertain Significance.

Literature cited by the submitters: PubMed 28471437 (cited by 5 submitters); PubMed 29482223 (cited by 4 submitters); PubMed 28865037 (cited by 4 submitters); PubMed 34690748 (cited by Women's Health and Genetics/Laboratory Corporation of America, LabCorp).

NM_002693.3(POLG):c.1493A>C (p.Lys498Thr)

Gene: POLG (DNA polymerase gamma, catalytic subunit; minus strand). Cytogenetic location: 15q26.1.
Variant type: single nucleotide variant.
Coding change: c.1493A>C on transcript NM_002693.3 (MANE Select); coding-DNA position 1493, A replaced by C.
Protein change: p.Lys498Thr; replaces lysine 498 with threonine.
Molecular consequence: missense variant.
Genome position (GRCh38, 1-based): chr15:89,327,004, T>G on the plus strand (A>C on the coding strand, the complement: POLG is on the minus strand). VCF-style: chr15-89327004-T-G. GRCh37 (hg19) VCF-style: chr15-89870235-T-G.
Other names: p.K498T:AAG>ACG; c.1493A>C, p.Lys498Thr (NM_001126131.2); short protein forms K498T.
Identifiers: ClinVar variation 206597 (VCV000206597.20), dbSNP rs769637557, ClinGen allele CA316836.